The following is an entry in ClinVar:

NM_000017.4(ACADS):c.137G>A (p.Arg46Gln)

Gene: ACADS (acyl-CoA dehydrogenase short chain; plus strand). Cytogenetic location: 12q24.31.
Variant type: single nucleotide variant.
Coding change: c.137G>A on transcript NM_000017.4 (MANE Select); coding-DNA position 137, G replaced by A.
Protein change: p.Arg46Gln; replaces arginine 46 with glutamine.
Molecular consequence: missense variant.
Genome position (GRCh38, 1-based): chr12:120,727,116, G>A. VCF-style: chr12-120727116-G-A. GRCh37 (hg19) VCF-style: chr12-121164919-G-A.
Other names: c.137G>A, p.Arg46Gln (NM_001302554.2); short protein forms R46Q.
Identifiers: ClinVar variation 1002010 (VCV001002010.8), dbSNP rs758012734, ClinGen allele CA6830768.

ClinVar aggregate classification (germline): Likely pathogenic (1 of 4 stars; one submission).

Conditions:
Deficiency of butyryl-CoA dehydrogenase (ACADSD). Also called: SCAD DEFICIENCY, MILD; SCADH DEFICIENCY; SCAD Deficiency; ACYL-CoA DEHYDROGENASE, SHORT-CHAIN, DEFICIENCY OF; ACADS DEFICIENCY; Short-Chain Acyl-CoA Dehydrogenase Deficiency. Identifiers: Orphanet 26792, MedGen C0342783, MONDO:0008722, OMIM 201470. Disease mechanism: May be benign.

Allele frequency attached by ClinVar (database versions not stated): gnomAD exomes below 0.00001 and 0.00001; TOPMed below 0.00001; ExAC 0.00002.
gnomAD v4.1: 6 of 1,614,192 alleles (0.00037%); highest among the groups gnomAD compares: South Asian, 0.0022%; no homozygotes.

Submission:

Labcorp Genetics (formerly Invitae), Labcorp
Classification: Likely pathogenic for Deficiency of butyryl-CoA dehydrogenase. Last evaluated: 2025-02-11. Review status: criteria provided, single submitter. Criteria: Invitae Variant Classification Sherloc (09022015). Collection method: clinical testing. Allele origin: germline.
Comment: This sequence change replaces arginine, which is basic and polar, with glutamine, which is neutral and polar, at codon 46 of the ACADS protein (p.Arg46Gln). This variant is present in population databases (rs758012734, gnomAD 0.006%). This missense change has been observed in individual(s) with ACADS-related conditions (internal data). ClinVar contains an entry for this variant (Variation ID: 1002010). Invitae Evidence Modeling of protein sequence and biophysical properties (such as structural, functional, and spatial information, amino acid conservation, physicochemical variation, residue mobility, and thermodynamic stability) indicates that this missense variant is expected to disrupt ACADS protein function with a positive predictive value of 95%. This variant disrupts the p.Arg46 amino acid residue in ACADS. Other variant(s) that disrupt this residue have been determined to be pathogenic (PMID: 1692038, 18523805, 28454995). This suggests that this residue is clinically significant, and that variants that disrupt this residue are likely to be disease-causing. In summary, the currently available evidence indicates that the variant is pathogenic, but additional data are needed to prove that conclusively. Therefore, this variant has been classified as Likely Pathogenic.

Literature cited by the submitters: PubMed 1692038; PubMed 18523805; PubMed 28454995.